The following is an entry in ClinVar:

NM_006302.3(MOGS):c.1682G>A (p.Arg561His)

Gene: MOGS (mannosyl-oligosaccharide glucosidase; minus strand). Cytogenetic location: 2p13.1.
Variant type: single nucleotide variant.
Coding change: c.1682G>A on transcript NM_006302.3 (MANE Select); coding-DNA position 1682, G replaced by A.
Protein change: p.Arg561His; replaces arginine 561 with histidine.
Molecular consequence: missense variant.
Genome position (GRCh38, 1-based): chr2:74,462,107, C>T on the plus strand (G>A on the coding strand, the complement: MOGS is on the minus strand). VCF-style: chr2-74462107-C-T. GRCh37 (hg19) VCF-style: chr2-74689234-C-T.
Other names: c.1364G>A, p.Arg455His (NM_001146158.2); short protein forms R455H, R561H.
Identifiers: ClinVar variation 2067705 (VCV002067705.2), dbSNP rs762725916, ClinGen allele CA1724739.
Genomic context (GRCh38, chr2:74,462,107, plus strand): 5'-CCAGAGGGTAGGGTCTTGGGGTTCAGTAAGGTTGGTAAGGCAGGGTCCCGTCCCCGCCAG[C>T]GGTAAGATAGTGGCAGTGGGCCTGCCTGGCTCTGATGGAGCCAGGAAAACCAGGCATGCA-3'
Protein context (NP_006293.2, residues 551-571): SQAGPLPLSY[Arg561His]WRGRDPALPT

ClinVar aggregate classification (germline): Uncertain significance (1 of 4 stars; one submission).

Conditions:
MOGS-congenital disorder of glycosylation. Also called: CDG IIb; MOGS-CDG; CDG 2B; GLUCOSIDASE I DEFICIENCY. Identifiers: Orphanet 79330, MedGen C1853736, MONDO:0011629, OMIM 606056.

Allele frequency attached by ClinVar (database versions not stated): gnomAD exomes 0.00001; gnomAD 0.00003; TOPMed 0.00004; ExAC 0.00008.
gnomAD v4.1: 22 of 1,613,994 alleles (0.0014%); highest among the groups gnomAD compares: Admixed American, 0.01%; no homozygotes.

Submission:

Labcorp Genetics (formerly Invitae), Labcorp
Classification: Uncertain significance for MOGS-congenital disorder of glycosylation. Last evaluated: 2023-11-27. Review status: criteria provided, single submitter. Criteria: Invitae Variant Classification Sherloc (09022015). Collection method: clinical testing. Allele origin: germline.
Comment: This sequence change replaces arginine, which is basic and polar, with histidine, which is basic and polar, at codon 561 of the MOGS protein (p.Arg561His). This variant is present in population databases (rs762725916, gnomAD 0.01%). This variant has not been reported in the literature in individuals affected with MOGS-related conditions. ClinVar contains an entry for this variant (Variation ID: 2067705). Advanced modeling of protein sequence and biophysical properties (such as structural, functional, and spatial information, amino acid conservation, physicochemical variation, residue mobility, and thermodynamic stability) performed at Invitae indicates that this missense variant is expected to disrupt MOGS protein function with a positive predictive value of 80%. In summary, the available evidence is currently insufficient to determine the role of this variant in disease. Therefore, it has been classified as a Variant of Uncertain Significance.